The following is an entry in ClinVar:

NM_015386.3(COG4):c.*7G>C

Gene: COG4 (component of oligomeric golgi complex 4; minus strand). Cytogenetic location: 16q22.1.
Variant type: single nucleotide variant.
Coding change: c.*7G>C on transcript NM_015386.3 (MANE Select); 7 bases downstream of the stop codon, G replaced by C.
Molecular consequence: 3 prime UTR variant. On other transcripts: non-coding transcript variant (1).
Genome position (GRCh38, 1-based): chr16:70,481,003, C>G on the plus strand (G>C on the coding strand, the complement: COG4 is on the minus strand). VCF-style: chr16-70481003-C-G. GRCh37 (hg19) VCF-style: chr16-70514906-C-G.
Other names: c.*7G>C (NM_001195139.2, NM_001365426.1).
Identifiers: ClinVar variation 390421 (VCV000390421.3), dbSNP rs192714339, ClinGen allele CA8143953.

ClinVar aggregate classification (germline): Likely benign. Review status: criteria provided, single submitter (1 of 4 stars). 2 submissions from 2 submitters: Likely benign (1). 1 of the submissions does not count toward it. Last evaluated 2016-11-11.

Conditions:
COG4-related disorder. Also called: COG4-related condition.

Allele frequency attached by ClinVar (database versions not stated): TOPMed 0.00012; ESP Exome Variant Server 0.00015; gnomAD 0.00021 and 0.00023; gnomAD exomes 0.00031; ExAC 0.00041; 1000 Genomes Project 30x 0.00047; 1000 Genomes Project 0.00060.
gnomAD v4.1: 356 of 1,611,990 alleles (0.022%); highest among the groups gnomAD compares: South Asian, 0.026%; 1 homozygote.

Submissions (2):

GeneDx
Classification: Likely benign. Last evaluated: 2016-11-11. Review status: criteria provided, single submitter. Criteria: GeneDx Variant Classification (06012015). Collection method: clinical testing. Allele origin: germline. Affected: yes.
Comment: This variant is considered likely benign or benign based on one or more of the following criteria: it is a conservative change, it occurs at a poorly conserved position in the protein, it is predicted to be benign by multiple in silico algorithms, and/or has population frequency not consistent with disease.

PreventionGenetics, part of Exact Sciences
Classification: Likely benign for COG4-related condition. Last evaluated: 2020-02-24. Review status: no assertion criteria provided. Collection method: clinical testing. Allele origin: germline. Not counted in ClinVar's aggregate classification.
Comment: This variant is classified as likely benign based on ACMG/AMP sequence variant interpretation guidelines (Richards et al. 2015 PMID: 25741868, with internal and published modifications).